The following is an entry in ClinVar:

NM_014738.5(TMEM94):c.2408_2410del

Gene: TMEM94 (transmembrane protein 94; plus strand). Cytogenetic location: 17q25.1.
Variant type: Microsatellite.
Coding change: c.2408_2410del on transcript NM_014738.5; coding-DNA positions 2408 to 2410, 3 bases deleted (AAG; older notation c.2408_2410delAAG).
Molecular consequence: splice acceptor variant (on NM_001438845.1).
Genome position (GRCh38, 1-based): chr17:75,494,627-75,494,629, AAG deleted; deleting any 3 consecutive bases within chr17:75,494,623-75,494,629 gives the same sequence; the c. name uses the placement nearest the transcript's 3' end. VCF-style (leftmost placement, unchanged base first): chr17-75494622-TGAA-T. GRCh37 (hg19) VCF-style: chr17-73490703-TGAA-T.
Other names: c.2420-3_2420-1del (NM_001438845.1); c.2402-3_2402-1del (NM_001438848.1); c.2438-3_2438-1del (NM_001351203.2).
Identifiers: ClinVar variation 2662596 (VCV002662596.1), ClinGen allele CA627404274.

ClinVar aggregate classification (germline): Uncertain significance (1 of 4 stars; one submission).

Submission:

GeneDx
Classification: Uncertain significance. Last evaluated: 2023-05-16. Review status: criteria provided, single submitter. Criteria: GeneDx Variant Classification Process June 2021. Collection method: clinical testing. Allele origin: germline. Affected: yes.
Comment: In-frame deletion of 1 amino acid in a non-repeat region; Not observed at significant frequency in large population cohorts (gnomAD); In silico analysis supports a deleterious effect on protein structure/function; Has not been previously published as pathogenic or benign to our knowledge